The following is an entry in ClinVar:

NM_004646.4(NPHS1):c.2386G>T (p.Gly796Ter)

Gene: NPHS1 (NPHS1 adhesion molecule, nephrin; minus strand). Cytogenetic location: 19q13.12.
Variant type: single nucleotide variant.
Coding change: c.2386G>T on transcript NM_004646.4 (MANE Select); coding-DNA position 2386, G replaced by T.
Protein change: p.Gly796Ter; replaces glycine 796 with a stop codon.
Molecular consequence: nonsense.
Genome position (GRCh38, 1-based): chr19:35,842,499, C>A on the plus strand (G>T on the coding strand, the complement: NPHS1 is on the minus strand). VCF-style: chr19-35842499-C-A. GRCh37 (hg19) VCF-style: chr19-36333401-C-A.
Other names: short protein forms G796*.
Identifiers: ClinVar variation 2022731 (VCV002022731.4), dbSNP rs1462077116, ClinGen allele CA405393677.

ClinVar aggregate classification (germline): Pathogenic (1 of 4 stars; one submission).

Submission:

Labcorp Genetics (formerly Invitae), Labcorp
Classification: Pathogenic. Last evaluated: 2022-08-08. Review status: criteria provided, single submitter. Criteria: Invitae Variant Classification Sherloc (09022015). Collection method: clinical testing. Allele origin: germline.
Comment: For these reasons, this variant has been classified as Pathogenic. Algorithms developed to predict the effect of sequence changes on RNA splicing suggest that this variant may create or strengthen a splice site. This variant has not been reported in the literature in individuals affected with NPHS1-related conditions. This variant is not present in population databases (gnomAD no frequency). This sequence change creates a premature translational stop signal (p.Gly796*) in the NPHS1 gene. It is expected to result in an absent or disrupted protein product. Loss-of-function variants in NPHS1 are known to be pathogenic (PMID: 11317351, 11854170, 12039988).

Literature cited by the submitters: PubMed 11317351; PubMed 11854170; PubMed 12039988.